The following is an entry in ClinVar:

ClinVar aggregate classification (germline): Likely pathogenic (1 of 4 stars; one submission).

Allele frequency attached by ClinVar (database versions not stated): gnomAD exomes below 0.00001; ExAC 0.00001.
gnomAD v4.1: 1 of 1,613,166 alleles (0.000062%); highest among the groups gnomAD compares: East Asian, 0.0022%; no homozygotes.

Submission:

Labcorp Genetics (formerly Invitae), Labcorp
Classification: Likely pathogenic. Last evaluated: 2023-04-06. Review status: criteria provided, single submitter. Criteria: Invitae Variant Classification Sherloc (09022015). Collection method: clinical testing. Allele origin: germline.
Comment: In summary, the currently available evidence indicates that the variant is pathogenic, but additional data are needed to prove that conclusively. Therefore, this variant has been classified as Likely Pathogenic. This sequence change affects a donor splice site in intron 9 of the NDUFAF5 gene. It is expected to disrupt RNA splicing. Variants that disrupt the donor or acceptor splice site typically lead to a loss of protein function (PMID: 16199547), and loss-of-function variants in NDUFAF5 are known to be pathogenic (PMID: 26275793, 30473481, 32918965). This variant is present in population databases (rs760364824, gnomAD 0.006%). This variant has not been reported in the literature in individuals affected with NDUFAF5-related conditions. Algorithms developed to predict the effect of sequence changes on RNA splicing suggest that this variant may disrupt the consensus splice site.

Literature cited by the submitters: PubMed 16199547; PubMed 26275793; PubMed 30473481; PubMed 32918965.

NM_024120.5(NDUFAF5):c.862+1G>C

Gene: NDUFAF5 (NADH:ubiquinone oxidoreductase complex assembly factor 5; plus strand). Cytogenetic location: 20p12.1.
Variant type: single nucleotide variant.
Coding change: c.862+1G>C on transcript NM_024120.5 (MANE Select); the canonical splice donor site of the intron after coding-DNA position 862, G replaced by C.
Molecular consequence: splice donor variant.
Genome position (GRCh38, 1-based): chr20:13,816,547, G>C. VCF-style: chr20-13816547-G-C. GRCh37 (hg19) VCF-style: chr20-13797193-G-C.
Other names: c.301+1G>C (NM_001352407.2, NM_001352406.2); c.778+1G>C (NM_001039375.3); c.391+1G>C (NM_001352403.2).
Identifiers: ClinVar variation 2904742 (VCV002904742.3), dbSNP rs760364824, ClinGen allele CA9767901.